The following is an entry in ClinVar:

NM_001378615.1(CC2D2A):c.1986del (p.Asn663fs)

Genes: CC2D2A (coiled-coil and C2 domain containing 2A; plus strand), FBXL5 (F-box and leucine rich repeat protein 5; minus strand). Cytogenetic location: 4p15.32.
Variant type: Deletion.
Coding change: c.1986del on transcript NM_001378615.1 (MANE Select); coding-DNA position 1986, one base deleted (C; older notation c.1986delC).
Protein change: p.Asn663fs; shifts the reading frame from asparagine 663.
Molecular consequence: frameshift variant.
Genome position (GRCh38, 1-based): chr4:15,538,120, C deleted; the last of 3 consecutive C bases (chr4:15,538,118-15,538,120); deleting any one gives the same sequence. VCF-style (leftmost placement, unchanged base first): chr4-15538117-AC-A. GRCh37 (hg19) VCF-style: chr4-15539740-AC-A.
Other names: c.1986del, p.Asn663fs (NM_001080522.2); c.1839del, p.Asn614fs (NM_001378617.1); short protein forms N614fs, N663fs.
Identifiers: ClinVar variation 5014478 (VCV005014478.1).

ClinVar aggregate classification (germline): Pathogenic (1 of 4 stars; one submission).

Conditions:
Joubert syndrome and related disorders. Identifiers: Orphanet 140874, MedGen C5679612, MONDO:0015369.

Submission:

Myriad Genetics, Inc.
Classification: Pathogenic for Joubert syndrome and related disorders. Last evaluated: 2025-05-20. Review status: criteria provided, single submitter. Criteria: Myriad Autosomal Dominant, Autosomal Recessive and X-Linked Classification Criteria (2023). Collection method: clinical testing. Allele origin: unknown.
Comment: NM_001080522.2(CC2D2A):c.1986delC(N663Mfs*15) is expected to be pathogenic in the context of CC2D2A-related disorders. This variant is predicted to lead to an abnormal or absent protein product due to the creation of a premature termination codon in CC2D2A, a gene where loss-of-function variants are known to be pathogenic. Please note: this variant was assessed in the context of healthy population screening.